The following is an entry in ClinVar:

NM_020297.4(ABCC9):c.4332A>G (p.Glu1444=)

Genes: ABCC9 (ATP binding cassette subfamily C member 9; minus strand), KCNJ8-AS1 (KCNJ8 antisense RNA 1; plus strand). Cytogenetic location: 12p12.1.
Variant type: single nucleotide variant.
Coding change: c.4332A>G on transcript NM_020297.4 (MANE Select); coding-DNA position 4332, A replaced by G.
Protein change: p.Glu1444=; no amino-acid change (glutamic acid 1444 retained).
Molecular consequence: synonymous variant.
Genome position (GRCh38, 1-based): chr12:21,807,463, T>C on the plus strand (A>G on the coding strand, the complement: ABCC9 is on the minus strand). VCF-style: chr12-21807463-T-C. GRCh37 (hg19) VCF-style: chr12-21960397-T-C.
Other names: c.4332A>G, p.Glu1444= (NM_001377273.1, NM_005691.4); c.3465A>G, p.Glu1155= (NM_001377274.1).
Identifiers: ClinVar variation 514743 (VCV000514743.1), dbSNP rs1555176704, ClinGen allele CA478869608.

ClinVar aggregate classification (germline): Likely benign (1 of 4 stars; one submission).

Submission:

GeneDx
Classification: Likely benign. Last evaluated: 2018-01-19. Review status: criteria provided, single submitter. Criteria: GeneDx Variant Classification (06012015). Collection method: clinical testing. Allele origin: germline. Affected: yes.
Comment: This variant is considered likely benign or benign based on one or more of the following criteria: it is a conservative change, it occurs at a poorly conserved position in the protein, it is predicted to be benign by multiple in silico algorithms, and/or has population frequency not consistent with disease.